The following is an entry in ClinVar:

NM_000278.5(PAX2):c.26C>G (p.Pro9Arg)

Gene: PAX2 (paired box 2; plus strand). Cytogenetic location: 10q24.31.
Variant type: single nucleotide variant.
Coding change: c.26C>G on transcript NM_000278.5 (MANE Select); coding-DNA position 26, C replaced by G.
Protein change: p.Pro9Arg; replaces proline 9 with arginine.
Molecular consequence: missense variant.
Genome position (GRCh38, 1-based): chr10:100,746,286, C>G. VCF-style: chr10-100746286-C-G. GRCh37 (hg19) VCF-style: chr10-102506043-C-G.
Other names: c.119C>G, p.Pro40Arg (NM_001304569.2, NM_001374303.1); c.26C>G, p.Pro9Arg (NM_003987.5, NM_003988.5, NM_003989.5 and 1 more transcripts); short protein forms P40R, P9R.
Identifiers: ClinVar variation 1311980 (VCV001311980.2), dbSNP rs2133823571, ClinGen allele CA378257234.

ClinVar aggregate classification (germline): Uncertain significance (1 of 4 stars; one submission).

Submission:

GeneDx
Classification: Uncertain significance. Last evaluated: 2020-02-14. Review status: criteria provided, single submitter. Criteria: GeneDx Variant Classification Process June 2021. Collection method: clinical testing. Allele origin: germline. Affected: yes.
Comment: Not observed in large population cohorts (Lek et al., 2016); In silico analysis supports that this missense variant has a deleterious effect on protein structure/function; Has not been previously published as pathogenic or benign to our knowledge